The following is an entry in ClinVar:

NM_001363711.2(DUOX2):c.1219G>T (p.Val407Phe)

Gene: DUOX2 (dual oxidase 2; minus strand). Cytogenetic location: 15q21.1.
Variant type: single nucleotide variant.
Coding change: c.1219G>T on transcript NM_001363711.2 (MANE Select); coding-DNA position 1219, G replaced by T.
Protein change: p.Val407Phe; replaces valine 407 with phenylalanine.
Molecular consequence: missense variant.
Genome position (GRCh38, 1-based): chr15:45,109,539, C>A on the plus strand (G>T on the coding strand, the complement: DUOX2 is on the minus strand). VCF-style: chr15-45109539-C-A. GRCh37 (hg19) VCF-style: chr15-45401737-C-A.
Other names: c.1219G>T, p.Val407Phe (NM_014080.5); short protein forms V407F.
Identifiers: ClinVar variation 4535706 (VCV004535706.2).
Genomic context (GRCh38, chr15:45,109,539, plus strand): 5'-GCTTCCTGGTCCCTTACCATCCACCCCTTCTGGCTCTGAGCTCACCCCTCAGATCTTCAA[C>A]CACTATGTTGTCCTCCAACTCCGAAATCTGGGAGGCCATTCCCAGCAGCAGCTCATTCAC-3'
Protein context (NP_001350640.1, residues 397-417): QISELEDNIV[Val407Phe]EDLRDYWPGP

ClinVar aggregate classification (germline): Likely pathogenic (1 of 4 stars; one submission).

Conditions:
Thyroid dyshormonogenesis 6 (TDH6). Also called: HYPOTHYROIDISM, CONGENITAL, DUE TO DYSHORMONOGENESIS, 6; THYROID HORMONOGENESIS, GENETIC DEFECT IN, 6; Genetic transient congenital hypothyroidism. Identifiers: Orphanet 226316, Orphanet 95716, MedGen C1846632, MONDO:0011792, OMIM 607200.

gnomAD v4.1: 7 of 1,614,118 alleles (0.00043%); highest among the groups gnomAD compares: East Asian, 0.016%; no homozygotes.

Submission:

Women's Health and Genetics/Laboratory Corporation of America, LabCorp
Classification: Likely pathogenic for Thyroid dyshormonogenesis 6. Last evaluated: 2025-09-05. Review status: criteria provided, single submitter. Criteria: LabCorp Variant Classification Summary - May 2015. Collection method: clinical testing. Allele origin: germline.
Comment: Variant summary: DUOX2 c.1219G>T (p.Val407Phe) results in a non-conservative amino acid change in the encoded protein sequence. Algorithms developed to predict the effect of missense changes on protein structure and function are either unavailable or do not agree on the potential impact of this missense change. The variant was absent in 251480 control chromosomes. c.1219G>T has been observed in individual(s) affected with Congenital hypothyroidism (examples: Sun_2018, Tanaka_2020). These data indicate that the variant may be associated with disease. At least one publication reports experimental evidence evaluating an impact on protein function. The most pronounced variant effect results in 10%-<30% of normal activity (Sun_2021). The following publications have been ascertained in the context of this evaluation (PMID: 26709262, 29650690, 32469330, 32319661, 34564849, 33631011). No submitters have cited clinical-significance assessments for this variant to ClinVar. Based on the evidence outlined above, the variant was classified as likely pathogenic.

Literature cited by the submitters: PubMed 32319661; PubMed 33631011; PubMed 34564849; PubMed 29650690; PubMed 32469330; PubMed 26709262.